The following is an entry in ClinVar:

NM_000553.6(WRN):c.1186G>C (p.Asp396His)

Gene: WRN (WRN RecQ like helicase; plus strand). Cytogenetic location: 8p12.
Variant type: single nucleotide variant.
Coding change: c.1186G>C on transcript NM_000553.6 (MANE Select); coding-DNA position 1186, G replaced by C.
Protein change: p.Asp396His; replaces aspartic acid 396 with histidine.
Molecular consequence: missense variant.
Genome position (GRCh38, 1-based): chr8:31,081,213, G>C. VCF-style: chr8-31081213-G-C. GRCh37 (hg19) VCF-style: chr8-30938729-G-C.
Other names: short protein forms D396H.
Identifiers: ClinVar variation 2183304 (VCV002183304.4), dbSNP rs1206180521, ClinGen allele CA370921163.

ClinVar aggregate classification (germline): Uncertain significance (1 of 4 stars; one submission).

Conditions:
Werner syndrome (WRN). Identifiers: Orphanet 902, MedGen C0043119, MONDO:0010196, OMIM 277700.

Allele frequency attached by ClinVar (database versions not stated): gnomAD 0.00001.
gnomAD v4.1: 2 of 1,613,474 alleles (0.00012%); highest among the groups gnomAD compares: Non-Finnish European, 0.00017%; no homozygotes.

Submission:

Labcorp Genetics (formerly Invitae), Labcorp
Classification: Uncertain significance for Werner syndrome. Last evaluated: 2023-10-14. Review status: criteria provided, single submitter. Criteria: Invitae Variant Classification Sherloc (09022015). Collection method: clinical testing. Allele origin: germline.
Comment: This sequence change replaces aspartic acid, which is acidic and polar, with histidine, which is basic and polar, at codon 396 of the WRN protein (p.Asp396His). This variant is present in population databases (no rsID available, gnomAD 0.002%). This variant has not been reported in the literature in individuals affected with WRN-related conditions. ClinVar contains an entry for this variant (Variation ID: 2183304). An algorithm developed to predict the effect of missense changes on protein structure and function (PolyPhen-2) suggests that this variant is likely to be disruptive. In summary, the available evidence is currently insufficient to determine the role of this variant in disease. Therefore, it has been classified as a Variant of Uncertain Significance.